The following is an entry in ClinVar:

ClinVar aggregate classification (germline): Likely pathogenic (1 of 4 stars; one submission).

Conditions:
TH-deficient dopa-responsive dystonia. Also called: Segawa syndrome, autosomal recessive; DYT-TH; Tyrosine Hydroxylase-Deficient Dopa-Responsive Dystonia. Identifiers: Orphanet 101150, MedGen C2673535, MONDO:0011551, OMIM 605407.

Submission:

Myriad Genetics, Inc.
Classification: Likely pathogenic for TH-deficient dopa-responsive dystonia. Last evaluated: 2022-03-31. Review status: criteria provided, single submitter. Criteria: Myriad Women's Health Autosomal Recessive and X-Linked Classification Criteria (2021). Collection method: clinical testing. Allele origin: unknown.
Comment: NM_199292.2(TH):c.727C>T(Q243*) is expected to be pathogenic in the context of tyrosine hydroxylase deficiency. This variant is predicted to lead to an abnormal or absent protein product due to the creation of a premature termination codon in TH, a gene where loss-of-function variants are known to be pathogenic. Please note: this variant was assessed in the context of healthy population screening.

NM_000360.4(TH):c.634C>T (p.Gln212Ter)

Gene: TH (tyrosine hydroxylase; minus strand). Cytogenetic location: 11p15.5.
Variant type: single nucleotide variant.
Coding change: c.634C>T on transcript NM_000360.4 (MANE Select); coding-DNA position 634, C replaced by T.
Protein change: p.Gln212Ter; replaces glutamine 212 with a stop codon.
Molecular consequence: nonsense.
Genome position (GRCh38, 1-based): chr11:2,167,876, G>A on the plus strand (C>T on the coding strand, the complement: TH is on the minus strand). VCF-style: chr11-2167876-G-A. GRCh37 (hg19) VCF-style: chr11-2189106-G-A.
Other names: c.727C>T, p.Gln243Ter (NM_199292.3); c.715C>T, p.Gln239Ter (NM_199293.3); short protein forms Q212*, Q239*, Q243*.
Identifiers: ClinVar variation 1725750 (VCV001725750.2), dbSNP rs2495815488, ClinGen allele CA379127972.
Genomic context (GRCh38, chr11:2,167,876, plus strand): 5'-GCGTCAGCCTGCAGGACGGAGTCTGGGTCCCGAGCGCAGGGGCCCCTCACTGCCTGTACT[G>A]GAAGGCGATCTCAGCAATCAGCTTCCTGCGCTGGCGGTACACCTGGTCCGAGAAGCCCTG-3'